The following is an entry in ClinVar:

NM_001365308.1(BMPER):c.16G>C (p.Gly6Arg)

Gene: BMPER (BMP binding endothelial regulator; plus strand). Cytogenetic location: 7p14.3.
Variant type: single nucleotide variant.
Coding change: c.16G>C on transcript NM_001365308.1 (MANE Select); coding-DNA position 16, G replaced by C.
Protein change: p.Gly6Arg; replaces glycine 6 with arginine.
Molecular consequence: missense variant.
Genome position (GRCh38, 1-based): chr7:33,905,629, G>C. VCF-style: chr7-33905629-G-C. GRCh37 (hg19) VCF-style: chr7-33945241-G-C.
Other names: c.16G>C, p.Gly6Arg (NM_133468.5); short protein forms G6R.
Identifiers: ClinVar variation 1489658 (VCV001489658.5), dbSNP rs142872640, ClinGen allele CA4214867.
Genomic context (GRCh38, chr7:33,905,629, plus strand): 5'-GGCGGCGCGGGACCTGCAGTCGCCAGGGATTCCCTCCAGGTGACGATGCTCTGGTTCTCC[G>C]GCGTCGGGGCTCTGGCTGAGCGTTACTGCCGCCGCTCGCCTGGGATTACGTGCTGCGTCT-3'
Protein context (NP_001352237.1, residues 1-16): MLWFS[Gly6Arg]VGALAERYCR

ClinVar aggregate classification (germline): Uncertain significance (1 of 4 stars; one submission).

Allele frequency attached by ClinVar (database versions not stated): gnomAD 0.00002; ESP Exome Variant Server 0.00008.
gnomAD v4.1: 8 of 1,612,858 alleles (0.0005%); highest among the groups gnomAD compares: African/African-American, 0.0094%; no homozygotes.

Submission:

Labcorp Genetics (formerly Invitae), Labcorp
Classification: Uncertain significance. Last evaluated: 2022-01-15. Review status: criteria provided, single submitter. Criteria: Invitae Variant Classification Sherloc (09022015). Collection method: clinical testing. Allele origin: germline.
Comment: This sequence change replaces glycine, which is neutral and non-polar, with arginine, which is basic and polar, at codon 6 of the BMPER protein (p.Gly6Arg). This variant is present in population databases (rs142872640, gnomAD 0.01%). This variant has not been reported in the literature in individuals affected with BMPER-related conditions. Algorithms developed to predict the effect of missense changes on protein structure and function are either unavailable or do not agree on the potential impact of this missense change (SIFT: "Deleterious"; PolyPhen-2: "Benign"; Align-GVGD: "Class C0"). In summary, the available evidence is currently insufficient to determine the role of this variant in disease. Therefore, it has been classified as a Variant of Uncertain Significance.